The following is an entry in ClinVar:

ClinVar aggregate classification (germline): Uncertain significance (1 of 4 stars; one submission).

Conditions:
Leukodystrophy, hypomyelinating, 6. Also called: TUBB4A-Associated Leukodystrophy; LEUKODYSTROPHY, HYPOMYELINATING, WITH ATROPHY OF THE BASAL GANGLIA AND CEREBELLUM; Hypomyelination with Atrophy of Basal Ganglia and Cerebellum (H-ABC). Identifiers: Orphanet 139441, MedGen C2676244, MONDO:0012905, OMIM 612438.

Submission:

Labcorp Genetics (formerly Invitae), Labcorp
Classification: Uncertain significance for Leukodystrophy, hypomyelinating, 6. Last evaluated: 2017-11-04. Review status: criteria provided, single submitter. Criteria: Invitae Variant Classification Sherloc (09022015). Collection method: clinical testing. Allele origin: germline.
Comment: Algorithms developed to predict the effect of missense changes on protein structure and function do not agree on the potential impact of this missense change (SIFT: "Tolerated"; PolyPhen-2: "Probably Damaging"; Align-GVGD: "Class C0"). This variant has not been reported in the literature in individuals with TUBB4A-related disease. This variant is not present in population databases (ExAC no frequency). This sequence change replaces methionine with leucine at codon 257 of the TUBB4A protein (p.Met257Leu). The methionine residue is highly conserved and there is a small physicochemical difference between methionine and leucine. In summary, the available evidence is currently insufficient to determine the role of this variant in disease. Therefore, it has been classified as a Variant of Uncertain Significance.

NM_006087.4(TUBB4A):c.769A>T (p.Met257Leu)

Gene: TUBB4A (tubulin beta 4A class IVa; minus strand). Cytogenetic location: 19p13.3.
Variant type: single nucleotide variant.
Coding change: c.769A>T on transcript NM_006087.4 (MANE Select); coding-DNA position 769, A replaced by T.
Protein change: p.Met257Leu; replaces methionine 257 with leucine.
Molecular consequence: missense variant.
Genome position (GRCh38, 1-based): chr19:6,495,730, T>A on the plus strand (A>T on the coding strand, the complement: TUBB4A is on the minus strand). VCF-style: chr19-6495730-T-A. GRCh37 (hg19) VCF-style: chr19-6495741-T-A.
Other names: c.922A>T, p.Met308Leu (NM_001289123.2); c.904A>T, p.Met302Leu (NM_001289127.2); c.769A>T, p.Met257Leu (NM_001289129.2); c.553A>T, p.Met185Leu (NM_001289130.2, NM_001289131.2); short protein forms M257L, M308L, M185L, M302L.
Identifiers: ClinVar variation 537237 (VCV000537237.8), dbSNP rs1555754019, ClinGen allele CA403591094.